The following is an entry in ClinVar:

NM_005159.5(ACTC1):c.830A>G (p.His277Arg)

Genes: ACTC1 (actin alpha cardiac muscle 1; minus strand), GJD2-DT (GJD2 divergent transcript; plus strand). Cytogenetic location: 15q14.
Variant type: single nucleotide variant.
Coding change: c.830A>G on transcript NM_005159.5 (MANE Select); coding-DNA position 830, A replaced by G.
Protein change: p.His277Arg; replaces histidine 277 with arginine.
Molecular consequence: missense variant.
Genome position (GRCh38, 1-based): chr15:34,791,274, T>C on the plus strand (A>G on the coding strand, the complement: ACTC1 is on the minus strand). VCF-style: chr15-34791274-T-C. GRCh37 (hg19) VCF-style: chr15-35083475-T-C.
Other names: c.830A>G, p.His277Arg (NM_001406482.1, NM_001406483.1); c.695A>G, p.His232Arg (NM_001406484.1); c.389A>G, p.His130Arg (NM_001406485.1); short protein forms H130R, H232R, H277R.
Identifiers: ClinVar variation 2575660 (VCV002575660.2), dbSNP rs113513162, ClinGen allele CA268661062.

ClinVar aggregate classification (germline): Likely pathogenic (1 of 4 stars; one submission).

Submission:

GeneDx
Classification: Likely pathogenic. Last evaluated: 2025-12-22. Review status: criteria provided, single submitter. Criteria: GeneDx Variant Classification Process June 2021. Collection method: clinical testing. Allele origin: germline. Affected: yes.
Comment: Not observed at significant frequency in large population cohorts (gnomAD); In silico analysis supports that this missense variant has a deleterious effect on protein structure/function; Has not been previously published as pathogenic or benign to our knowledge